The following is an entry in ClinVar:

NM_004370.6(COL12A1):c.8651G>C (p.Gly2884Ala)

Gene: COL12A1 (collagen type XII alpha 1 chain; minus strand). Cytogenetic location: 6q13.
Variant type: single nucleotide variant.
Coding change: c.8651G>C on transcript NM_004370.6 (MANE Select); coding-DNA position 8651, G replaced by C.
Protein change: p.Gly2884Ala; replaces glycine 2884 with alanine.
Molecular consequence: missense variant.
Genome position (GRCh38, 1-based): chr6:75,091,524, C>G on the plus strand (G>C on the coding strand, the complement: COL12A1 is on the minus strand). VCF-style: chr6-75091524-C-G. GRCh37 (hg19) VCF-style: chr6-75801240-C-G.
Other names: c.8651G>C, p.Gly2884Ala (NM_001424113.1); c.8630G>C, p.Gly2877Ala (NM_001424114.1); c.8378G>C, p.Gly2793Ala (NM_001424115.1); c.5159G>C, p.Gly1720Ala (NM_001424116.1, NM_080645.3); short protein forms G1720A, G2793A, G2877A, G2884A.
Identifiers: ClinVar variation 4784115 (VCV004784115.1).

ClinVar aggregate classification (germline): Uncertain significance (1 of 4 stars; one submission).

Conditions:
Ullrich congenital muscular dystrophy 2 (UCMD2). Identifiers: Orphanet 75840, MedGen C4225314, MONDO:0014654, OMIM 616470.
Bethlem myopathy 2 (BTHLM2). Identifiers: Orphanet 536516, Orphanet 610, MedGen C4225313, MONDO:0034022, OMIM 616471.

gnomAD v4.1: 1 of 1,611,162 alleles (0.000062%); highest among the groups gnomAD compares: Non-Finnish European, 0.000085%; no homozygotes.

Submission:

Labcorp Genetics (formerly Invitae), Labcorp
Classification: Uncertain significance for Bethlem myopathy 2; Ullrich congenital muscular dystrophy 2. Last evaluated: 2025-02-09. Review status: criteria provided, single submitter. Criteria: Invitae Variant Classification Sherloc (09022015). Collection method: clinical testing. Allele origin: germline.
Comment: This sequence change replaces glycine, which is neutral and non-polar, with alanine, which is neutral and non-polar, at codon 2884 of the COL12A1 protein (p.Gly2884Ala). This variant is present in population databases (rs755280309, gnomAD 0.0009%). This variant has not been reported in the literature in individuals affected with COL12A1-related conditions. An algorithm developed to predict the effect of missense changes on protein structure and function (PolyPhen-2) suggests that this variant is likely to be disruptive. In summary, the available evidence is currently insufficient to determine the role of this variant in disease. Therefore, it has been classified as a Variant of Uncertain Significance.